The following is an entry in ClinVar:

NM_001369268.1(ACAN):c.445G>A (p.Val149Met)

Gene: ACAN (aggrecan; plus strand). Cytogenetic location: 15q26.1.
Variant type: single nucleotide variant.
Coding change: c.445G>A on transcript NM_001369268.1 (MANE Select); coding-DNA position 445, G replaced by A.
Protein change: p.Val149Met; replaces valine 149 with methionine.
Molecular consequence: missense variant.
Genome position (GRCh38, 1-based): chr15:88,839,037, G>A. VCF-style: chr15-88839037-G-A. GRCh37 (hg19) VCF-style: chr15-89382268-G-A.
Other names: c.445G>A (NM_013227.3); c.445G>A, p.Val149Met (NM_001135.4, NM_001411096.1, NM_001411097.1 and 1 more transcripts); short protein forms V149M.
Identifiers: ClinVar variation 1938296 (VCV001938296.6), dbSNP rs1177970558, ClinGen allele CA393716632.

ClinVar aggregate classification (germline): Uncertain significance. Review status: criteria provided, multiple submitters, no conflicts (2 of 4 stars). 2 submissions from 2 submitters: Uncertain significance (2). Last evaluated 2025-04-12.

Conditions:
Inborn genetic diseases. Identifiers: MedGen C0950123, MeSH D030342.

Allele frequency attached by ClinVar (database versions not stated): gnomAD exomes 0.00001; gnomAD 0.00003; TOPMed 0.00003.
gnomAD v4.1: 24 of 1,602,196 alleles (0.0015%); highest among the groups gnomAD compares: South Asian, 0.0077%; no homozygotes.

Submissions (2):

Ambry Genetics
Classification: Uncertain significance for Inborn genetic diseases. Last evaluated: 2025-04-12. Review status: criteria provided, single submitter. Criteria: Ambry Variant Classification Scheme 2023. Collection method: clinical testing. Allele origin: germline.

Labcorp Genetics (formerly Invitae), Labcorp
Classification: Uncertain significance. Last evaluated: 2024-12-09. Review status: criteria provided, single submitter. Criteria: Invitae Variant Classification Sherloc (09022015). Collection method: clinical testing. Allele origin: germline.
Comment: This sequence change replaces valine, which is neutral and non-polar, with methionine, which is neutral and non-polar, at codon 149 of the ACAN protein (p.Val149Met). This variant is present in population databases (no rsID available, gnomAD 0.007%). This variant has not been reported in the literature in individuals affected with ACAN-related conditions. ClinVar contains an entry for this variant (Variation ID: 1938296). Invitae Evidence Modeling of protein sequence and biophysical properties (such as structural, functional, and spatial information, amino acid conservation, physicochemical variation, residue mobility, and thermodynamic stability) indicates that this missense variant is not expected to disrupt ACAN protein function with a negative predictive value of 80%. In summary, the available evidence is currently insufficient to determine the role of this variant in disease. Therefore, it has been classified as a Variant of Uncertain Significance.